The following is an entry in ClinVar:

NM_032578.4(MYPN):c.1238T>C (p.Ile413Thr)

Gene: MYPN (myopalladin; plus strand). Cytogenetic location: 10q21.3.
Variant type: single nucleotide variant.
Coding change: c.1238T>C on transcript NM_032578.4 (MANE Select); coding-DNA position 1238, T replaced by C.
Protein change: p.Ile413Thr; replaces isoleucine 413 with threonine.
Molecular consequence: missense variant. On other transcripts: non-coding transcript variant (2).
Genome position (GRCh38, 1-based): chr10:68,148,460, T>C. VCF-style: chr10-68148460-T-C. GRCh37 (hg19) VCF-style: chr10-69908217-T-C.
Other names: c.1238T>C, p.Ile413Thr (NM_001256267.2); c.356T>C, p.Ile119Thr (NM_001256268.2); short protein forms I413T, I119T.
Identifiers: ClinVar variation 191750 (VCV000191750.1), dbSNP rs201225230, ClinGen allele CA237451.

ClinVar aggregate classification (germline): Uncertain significance (1 of 4 stars; one submission).

Submission:

Biesecker Lab/Clinical Genomics Section, National Institutes of Health
Classification: Uncertain significance. Last evaluated: 2013-06-24. Review status: criteria provided, single submitter. Criteria: Ng et al. (Circ Cardiovasc Genet. 2013). Collection method: research. Allele origin: unknown. Observed: 1 variant allele. Study: ClinSeq.
Comment: The study set was not selected for affection status in relation to any cancer. Pathogenicity categories were based on literature curation. See Pubmed ID:23861362 for details.

Medical sequencing